The following is an entry in ClinVar:

NM_032444.4(SLX4):c.1786G>T (p.Gly596Cys)

Gene: SLX4 (SLX4 structure-specific endonuclease subunit; minus strand). Cytogenetic location: 16p13.3.
Variant type: single nucleotide variant.
Coding change: c.1786G>T on transcript NM_032444.4 (MANE Select); coding-DNA position 1786, G replaced by T.
Protein change: p.Gly596Cys; replaces glycine 596 with cysteine.
Molecular consequence: missense variant.
Genome position (GRCh38, 1-based): chr16:3,596,291, C>A on the plus strand (G>T on the coding strand, the complement: SLX4 is on the minus strand). VCF-style: chr16-3596291-C-A. GRCh37 (hg19) VCF-style: chr16-3646292-C-A.
Other names: short protein forms G596C.
Identifiers: ClinVar variation 4809986 (VCV004809986.2).

ClinVar aggregate classification (germline): Uncertain significance. Review status: criteria provided, multiple submitters, no conflicts (2 of 4 stars). 2 submissions from 2 submitters: Uncertain significance (2). Last evaluated 2025-07-02.

Conditions:
Fanconi anemia (FA). Also called: Fanconi's anemia. Identifiers: Orphanet 84, MedGen C0015625, MeSH D005199, MONDO:0019391.

Submissions (2):

Labcorp Genetics (formerly Invitae), Labcorp
Classification: Uncertain significance for Fanconi anemia. Last evaluated: 2025-07-02. Review status: criteria provided, single submitter. Criteria: Invitae Variant Classification Sherloc (09022015). Collection method: clinical testing. Allele origin: germline.
Comment: This sequence change replaces glycine, which is neutral and non-polar, with cysteine, which is neutral and slightly polar, at codon 596 of the SLX4 protein (p.Gly596Cys). This variant is not present in population databases (gnomAD no frequency). This variant has not been reported in the literature in individuals affected with SLX4-related conditions. An algorithm developed to predict the effect of missense changes on protein structure and function outputs the following: PolyPhen-2: "Possibly Damaging". The cysteine amino acid residue is found in multiple mammalian species, which suggests that this missense change does not adversely affect protein function. In summary, the available evidence is currently insufficient to determine the role of this variant in disease. Therefore, it has been classified as a Variant of Uncertain Significance.

Blueprint Genetics
Classification: Uncertain significance. Last evaluated: 2023-11-13. Review status: criteria provided, single submitter. Criteria: ACMG Guidelines, 2015. Collection method: clinical testing. Allele origin: germline.